The following is an entry in ClinVar:

NM_000218.3(KCNQ1):c.981C>T (p.Thr327=)

Gene: KCNQ1 (potassium voltage-gated channel subfamily Q member 1; plus strand). Cytogenetic location: 11p15.5.
Variant type: single nucleotide variant.
Coding change: c.981C>T on transcript NM_000218.3 (MANE Select); coding-DNA position 981, C replaced by T.
Protein change: p.Thr327=; no amino-acid change (threonine 327 retained).
Molecular consequence: synonymous variant.
Genome position (GRCh38, 1-based): chr11:2,583,494, C>T. VCF-style: chr11-2583494-C-T. GRCh37 (hg19) VCF-style: chr11-2604724-C-T.
Other names: c.981C>T, p.Thr327= (NM_001406836.1); c.711C>T, p.Thr237= (NM_001406837.1); c.537C>T, p.Thr179= (NM_001406838.1); c.600C>T, p.Thr200= (NM_181798.2).
Identifiers: ClinVar variation 1547102 (VCV001547102.10), dbSNP rs1848536339, ClinGen allele CA472038428.

ClinVar aggregate classification (germline): Likely benign. Review status: criteria provided, multiple submitters, no conflicts (2 of 4 stars). 2 submissions from 2 submitters: Likely benign (2). Last evaluated 2024-04-25.

Conditions:
Long QT syndrome (LQTS). Identifiers: MedGen C0023976, MeSH D008133, MONDO:0002442. Disease mechanism: loss of function. Inheritance: Various modes of inheritance.

Allele frequency attached by ClinVar (database versions not stated): TOPMed below 0.00001; gnomAD 0.00001.
gnomAD v4.1: 2 of 1,613,962 alleles (0.00012%); highest among the groups gnomAD compares: Admixed American, 0.0017%; no homozygotes.

Submissions (2):

All of Us Research Program, National Institutes of Health
Classification: Likely benign for Long QT syndrome. Last evaluated: 2024-04-25. Review status: criteria provided, single submitter. Criteria: ACMG Guidelines, 2015. Collection method: clinical testing. Allele origin: germline. Inheritance: Autosomal dominant inheritance. Observed: 1 variant allele, 1 heterozygote.
Comment: This study involves interpretation of variants in research participants for the purpose of population health screening. Participant phenotype was not available at the time of variant classification. Additional details can be found in publication PMID: 35346344, PMCID: PMC8962531

Labcorp Genetics (formerly Invitae), Labcorp
Classification: Likely benign for Long QT syndrome. Last evaluated: 2023-03-02. Review status: criteria provided, single submitter. Criteria: Invitae Variant Classification Sherloc (09022015). Collection method: clinical testing. Allele origin: germline.